The following is an entry in ClinVar:

NM_001278716.2(FBXL4):c.1285A>C (p.Lys429Gln)

Gene: FBXL4 (F-box and leucine rich repeat protein 4; minus strand). Cytogenetic location: 6q16.1.
Variant type: single nucleotide variant.
Coding change: c.1285A>C on transcript NM_001278716.2 (MANE Select); coding-DNA position 1285, A replaced by C.
Protein change: p.Lys429Gln; replaces lysine 429 with glutamine.
Molecular consequence: missense variant. On other transcripts: non-coding transcript variant (2).
Genome position (GRCh38, 1-based): chr6:98,899,300, T>G on the plus strand (A>C on the coding strand, the complement: FBXL4 is on the minus strand). VCF-style: chr6-98899300-T-G. GRCh37 (hg19) VCF-style: chr6-99347176-T-G.
Other names: c.1285A>C, p.Lys429Gln (NM_012160.5); short protein forms K429Q.
Identifiers: ClinVar variation 1473288 (VCV001473288.6), dbSNP rs1554218803, ClinGen allele CA365093339.

ClinVar aggregate classification (germline): Uncertain significance (1 of 4 stars; one submission).

Submission:

Labcorp Genetics (formerly Invitae), Labcorp
Classification: Uncertain significance. Last evaluated: 2022-10-13. Review status: criteria provided, single submitter. Criteria: Invitae Variant Classification Sherloc (09022015). Collection method: clinical testing. Allele origin: germline.
Comment: In summary, the available evidence is currently insufficient to determine the role of this variant in disease. Therefore, it has been classified as a Variant of Uncertain Significance. Advanced modeling of protein sequence and biophysical properties (such as structural, functional, and spatial information, amino acid conservation, physicochemical variation, residue mobility, and thermodynamic stability) performed at Invitae indicates that this missense variant is not expected to disrupt FBXL4 protein function. ClinVar contains an entry for this variant (Variation ID: 1473288). This variant has not been reported in the literature in individuals affected with FBXL4-related conditions. This variant is not present in population databases (gnomAD no frequency). This sequence change replaces lysine, which is basic and polar, with glutamine, which is neutral and polar, at codon 429 of the FBXL4 protein (p.Lys429Gln).